The following is an entry in ClinVar:

NM_138420.4(AHNAK2):c.5940C>T (p.Asp1980=)

Gene: AHNAK2 (AHNAK nucleoprotein 2; minus strand). Cytogenetic location: 14q32.33.
Variant type: single nucleotide variant.
Coding change: c.5940C>T on transcript NM_138420.4 (MANE Select); coding-DNA position 5940, C replaced by T.
Protein change: p.Asp1980=; no amino-acid change (aspartic acid 1980 retained).
Molecular consequence: synonymous variant.
Genome position (GRCh38, 1-based): chr14:104,949,511, G>A on the plus strand (C>T on the coding strand, the complement: AHNAK2 is on the minus strand). VCF-style: chr14-104949511-G-A. GRCh37 (hg19) VCF-style: chr14-105415848-G-A.
Other names: c.5640C>T, p.Asp1880= (NM_001350929.2).
Identifiers: ClinVar variation 5039012 (VCV005039012.1).

ClinVar aggregate classification (germline): Likely benign (1 of 4 stars; one submission).

Submission:

CeGaT Center for Human Genetics Tuebingen
Classification: Likely benign. Last evaluated: 2026-08-01. Review status: criteria provided, single submitter. Criteria: CeGaT Center For Human Genetics Tuebingen Variant Classification Criteria Version 2. Collection method: clinical testing. Allele origin: germline. Affected: yes. Observed: 1 variant allele.
Comment: AHNAK2: BP4, BP7